The following is an entry in ClinVar:

NM_001200.4(BMP2):c.167G>A (p.Arg56Gln)

Gene: BMP2 (bone morphogenetic protein 2; plus strand). Cytogenetic location: 20p12.3.
Variant type: single nucleotide variant.
Coding change: c.167G>A on transcript NM_001200.4 (MANE Select); coding-DNA position 167, G replaced by A.
Protein change: p.Arg56Gln; replaces arginine 56 with glutamine.
Molecular consequence: missense variant.
Genome position (GRCh38, 1-based): chr20:6,770,293, G>A. VCF-style: chr20-6770293-G-A. GRCh37 (hg19) VCF-style: chr20-6750940-G-A.
Other names: short protein forms R56Q.
Identifiers: ClinVar variation 3622515 (VCV003622515.2).

ClinVar aggregate classification (germline): Uncertain significance (1 of 4 stars; one submission).

Submission:

Labcorp Genetics (formerly Invitae), Labcorp
Classification: Uncertain significance. Last evaluated: 2025-06-12. Review status: criteria provided, single submitter. Criteria: Invitae Variant Classification Sherloc (09022015). Collection method: clinical testing. Allele origin: germline.
Comment: This sequence change replaces arginine, which is basic and polar, with glutamine, which is neutral and polar, at codon 56 of the BMP2 protein (p.Arg56Gln). This variant is present in population databases (no rsID available, gnomAD 0.007%). This variant has not been reported in the literature in individuals affected with BMP2-related conditions. ClinVar contains an entry for this variant (Variation ID: 3622515). An algorithm developed to predict the effect of missense changes on protein structure and function (PolyPhen-2) suggests that this variant is likely to be disruptive. In summary, the available evidence is currently insufficient to determine the role of this variant in disease. Therefore, it has been classified as a Variant of Uncertain Significance.